The following is an entry in ClinVar:

NM_000081.4(LYST):c.1753T>G (p.Cys585Gly)

Gene: LYST (lysosomal trafficking regulator; minus strand). Cytogenetic location: 1q42.3.
Variant type: single nucleotide variant.
Coding change: c.1753T>G on transcript NM_000081.4 (MANE Select); coding-DNA position 1753, T replaced by G.
Protein change: p.Cys585Gly; replaces cysteine 585 with glycine.
Molecular consequence: missense variant.
Genome position (GRCh38, 1-based): chr1:235,809,065, A>C on the plus strand (T>G on the coding strand, the complement: LYST is on the minus strand). VCF-style: chr1-235809065-A-C. GRCh37 (hg19) VCF-style: chr1-235972365-A-C.
Other names: c.1753T>G, p.Cys585Gly (NM_001301365.1); short protein forms C585G.
Identifiers: ClinVar variation 2059180 (VCV002059180.3), dbSNP rs1015206148, ClinGen allele CA39617878.

ClinVar aggregate classification (germline): Uncertain significance (1 of 4 stars; one submission).

Conditions:
Chédiak-Higashi syndrome (CHS). Also called: Chediak-Higashi Syndrome. Identifiers: Orphanet 167, MedGen C0007965, MONDO:0008963, OMIM 214500.

Allele frequency attached by ClinVar (database versions not stated): gnomAD exomes below 0.00001.
gnomAD v4.1: 1 of 1,614,142 alleles (0.000062%); highest among the groups gnomAD compares: Non-Finnish European, 0.000085%; no homozygotes.

Submission:

Labcorp Genetics (formerly Invitae), Labcorp
Classification: Uncertain significance for Chédiak-Higashi syndrome. Last evaluated: 2022-05-31. Review status: criteria provided, single submitter. Criteria: Invitae Variant Classification Sherloc (09022015). Collection method: clinical testing. Allele origin: germline.
Comment: In summary, the available evidence is currently insufficient to determine the role of this variant in disease. Therefore, it has been classified as a Variant of Uncertain Significance. Algorithms developed to predict the effect of missense changes on protein structure and function are either unavailable or do not agree on the potential impact of this missense change (SIFT: "Deleterious"; PolyPhen-2: "Benign"; Align-GVGD: "Class C0"). This variant has not been reported in the literature in individuals affected with LYST-related conditions. This variant is not present in population databases (gnomAD no frequency). This sequence change replaces cysteine, which is neutral and slightly polar, with glycine, which is neutral and non-polar, at codon 585 of the LYST protein (p.Cys585Gly).